The following is an entry in ClinVar:

NM_206933.4(USH2A):c.4102C>T (p.Pro1368Ser)

Genes: USH2A (usherin; minus strand), USH2A-AS1 (USH2A antisense RNA 1; plus strand). Cytogenetic location: 1q41.
Variant type: single nucleotide variant.
Coding change: c.4102C>T on transcript NM_206933.4 (MANE Select); coding-DNA position 4102, C replaced by T.
Protein change: p.Pro1368Ser; replaces proline 1368 with serine.
Molecular consequence: missense variant.
Genome position (GRCh38, 1-based): chr1:216,196,702, G>A on the plus strand (C>T on the coding strand, the complement: USH2A is on the minus strand). VCF-style: chr1-216196702-G-A. GRCh37 (hg19) VCF-style: chr1-216370044-G-A.
Other names: c.4102C>T, p.Pro1368Ser (NM_007123.6); short protein forms P1368S.
Identifiers: ClinVar variation 866323 (VCV000866323.7), dbSNP rs755867377, ClinGen allele CA1395805.

ClinVar aggregate classification (germline): Conflicting classifications of pathogenicity. Review status: criteria provided, conflicting classifications (1 of 4 stars). 2 submissions from 2 submitters: Pathogenic (1); Uncertain significance (1). Last evaluated 2022-08-30.

Allele frequency attached by ClinVar (database versions not stated): gnomAD exomes below 0.00001 and 0.00001; ExAC 0.00001.
gnomAD v4.1: 8 of 1,613,148 alleles (0.0005%); highest among the groups gnomAD compares: Non-Finnish European, 0.00068%; no homozygotes.

Submissions (2):

Labcorp Genetics (formerly Invitae), Labcorp
Classification: Pathogenic. Last evaluated: 2022-08-30. Review status: criteria provided, single submitter. Criteria: Invitae Variant Classification Sherloc (09022015). Collection method: clinical testing. Allele origin: germline.
Comment: This variant is present in population databases (rs755867377, gnomAD 0.0009%). Algorithms developed to predict the effect of missense changes on protein structure and function are either unavailable or do not agree on the potential impact of this missense change (SIFT: "Deleterious"; PolyPhen-2: "Probably Damaging"; Align-GVGD: "Class C0"). ClinVar contains an entry for this variant (Variation ID: 866323). This missense change has been observed in individual(s) with Usher syndrome (PMID: 28944237, 32675063). In at least one individual the data is consistent with being in trans (on the opposite chromosome) from a pathogenic variant. This variant disrupts the p.Pro1368 amino acid residue in USH2A. Other variant(s) that disrupt this residue have been observed in individuals with USH2A-related conditions (PMID: 32037395), which suggests that this may be a clinically significant amino acid residue. This sequence change replaces proline, which is neutral and non-polar, with serine, which is neutral and polar, at codon 1368 of the USH2A protein (p.Pro1368Ser). For these reasons, this variant has been classified as Pathogenic.

Blueprint Genetics
Classification: Uncertain significance. Last evaluated: 2019-04-01. Review status: criteria provided, single submitter. Criteria: ACMG Guidelines, 2015. Collection method: clinical testing. Allele origin: germline.

Literature cited by the submitters: PubMed 28944237 (cited by Labcorp Genetics (formerly Invitae), Labcorp); PubMed 32675063 (cited by Labcorp Genetics (formerly Invitae), Labcorp); PubMed 32037395 (cited by Labcorp Genetics (formerly Invitae), Labcorp).